The following is an entry in ClinVar:

NM_000342.4(SLC4A1):c.2659_2662dup (p.Ala888fs)

Gene: SLC4A1 (solute carrier family 4 member 1 (Diego blood group); minus strand). Cytogenetic location: 17q21.31.
Variant type: Duplication.
Coding change: c.2659_2662dup on transcript NM_000342.4 (MANE Select); coding-DNA positions 2659 to 2662, 4 bases duplicated (GATG; older notation c.2659_2662dupGATG).
Protein change: p.Ala888fs; shifts the reading frame from alanine 888.
Molecular consequence: frameshift variant.
Genome position (GRCh38, 1-based): chr17:44,250,532-44,250,535, CATC duplicated on the plus strand (GATG on the coding strand, the reverse complement: SLC4A1 is on the minus strand); duplicating any 4 consecutive bases within chr17:44,250,532-44,250,537 gives the same sequence; the c. name uses the placement nearest the transcript's 3' end. VCF-style (leftmost placement, unchanged base first): chr17-44250531-G-GCATC. GRCh37 (hg19) VCF-style: chr17-42327899-G-GCATC.
Other names: short protein forms A888fs.
Identifiers: ClinVar variation 2815953 (VCV002815953.3), dbSNP rs2509957512, ClinGen allele CA2739267568.

ClinVar aggregate classification (germline): Pathogenic (1 of 4 stars; one submission).

Submission:

Labcorp Genetics (formerly Invitae), Labcorp
Classification: Pathogenic. Last evaluated: 2023-11-20. Review status: criteria provided, single submitter. Criteria: Invitae Variant Classification Sherloc (09022015). Collection method: clinical testing. Allele origin: germline.
Comment: This sequence change creates a premature translational stop signal (p.Ala888Glyfs*3) in the SLC4A1 gene. While this is not anticipated to result in nonsense mediated decay, it is expected to disrupt the last 24 amino acid(s) of the SLC4A1 protein. This variant is not present in population databases (gnomAD no frequency). This premature translational stop signal has been observed in individual(s) with autosomal dominant renal tubular acidosis (Invitae). In at least one individual the variant was observed to be de novo. For these reasons, this variant has been classified as Pathogenic.